The following is an entry in ClinVar:

ClinVar aggregate classification (germline): Uncertain significance. Review status: criteria provided, multiple submitters, no conflicts (2 of 4 stars). 4 submissions from 4 submitters: Uncertain significance (4). Last evaluated 2025-09-16.

Conditions:
Cardiovascular phenotype. Identifiers: MedGen CN230736.
Brugada syndrome. Also called: Sudden unexpected nocturnal death syndrome; Sudden unexplained nocturnal death syndrome; Sudden Unexplained Death Syndrome; Sudden Unexplained Nocturnal Death Syndrome (SUNDS). Identifiers: Orphanet 130, MedGen C1142166, MONDO:0015263.

Allele frequency attached by ClinVar (database versions not stated): gnomAD exomes 0.00001; gnomAD 0.00002; TOPMed 0.00002.
gnomAD v4.1: 22 of 1,613,634 alleles (0.0014%); highest among the groups gnomAD compares: African/African-American, 0.0027%; no homozygotes.

Submissions (4):

Labcorp Genetics (formerly Invitae), Labcorp
Classification: Uncertain significance for Brugada syndrome. Last evaluated: 2025-09-16. Review status: criteria provided, single submitter. Criteria: Invitae Variant Classification Sherloc (09022015). Collection method: clinical testing. Allele origin: germline.
Comment: This sequence change replaces arginine, which is basic and polar, with glutamine, which is neutral and polar, at codon 271 of the GPD1L protein (p.Arg271Gln). This variant is present in population databases (no rsID available, gnomAD 0.003%). This variant has not been reported in the literature in individuals affected with GPD1L-related conditions. ClinVar contains an entry for this variant (Variation ID: 452456). Invitae Evidence Modeling of protein sequence and biophysical properties (such as structural, functional, and spatial information, amino acid conservation, physicochemical variation, residue mobility, and thermodynamic stability) has been performed for this missense variant. However, the output from this modeling did not meet the statistical confidence thresholds required to predict the impact of this variant on GPD1L protein function. In summary, the available evidence is currently insufficient to determine the role of this variant in disease. Therefore, it has been classified as a Variant of Uncertain Significance.

Ambry Genetics
Classification: Uncertain significance for Cardiovascular phenotype. Last evaluated: 2025-03-10. Review status: criteria provided, single submitter. Criteria: Ambry Variant Classification Scheme 2023. Collection method: clinical testing. Allele origin: germline.

AiLife Diagnostics
Classification: Uncertain significance. Last evaluated: 2021-06-28. Review status: criteria provided, single submitter. Criteria: ACMG Guidelines, 2015. Collection method: clinical testing. Allele origin: germline. Affected: yes. Observed: 1 variant allele.

GeneDx
Classification: Uncertain significance. Last evaluated: 2017-09-29. Review status: criteria provided, single submitter. Criteria: GeneDx Variant Classification (06012015). Collection method: clinical testing. Allele origin: germline. Affected: yes.
Comment: The R271Q variant has not been published as pathogenic or been reported as benign to our knowledge. The R271Q variant is not observedin large population cohorts (Lek et al., 2016). The R271Q variant is a semi-conservative amino acid substitution, which may impact secondary protein structure as these residues differ in some properties. This substitution occurs at a position that is conserved across species, and in silico analysis predicts this variant is probably damaging to the protein structure/function.

NM_015141.4(GPD1L):c.812G>A (p.Arg271Gln)

Gene: GPD1L (glycerol-3-phosphate dehydrogenase 1 like; plus strand). Cytogenetic location: 3p22.3.
Variant type: single nucleotide variant.
Coding change: c.812G>A on transcript NM_015141.4 (MANE Select); coding-DNA position 812, G replaced by A.
Protein change: p.Arg271Gln; replaces arginine 271 with glutamine.
Molecular consequence: missense variant.
Genome position (GRCh38, 1-based): chr3:32,159,069, G>A. VCF-style: chr3-32159069-G-A. GRCh37 (hg19) VCF-style: chr3-32200561-G-A.
Other names: short protein forms R271Q.
Identifiers: ClinVar variation 452456 (VCV000452456.9), dbSNP rs1042900556, ClinGen allele CA72530325.